The following is an entry in ClinVar:

NM_000222.3(KIT):c.835T>G (p.Ser279Ala)

Gene: KIT (KIT proto-oncogene, receptor tyrosine kinase; plus strand). Cytogenetic location: 4q12.
Variant type: single nucleotide variant.
Coding change: c.835T>G on transcript NM_000222.3 (MANE Select); coding-DNA position 835, T replaced by G.
Protein change: p.Ser279Ala; replaces serine 279 with alanine.
Molecular consequence: missense variant.
Genome position (GRCh38, 1-based): chr4:54,703,802, T>G. VCF-style: chr4-54703802-T-G. GRCh37 (hg19) VCF-style: chr4-55569968-T-G.
Other names: c.835T>G, p.Ser279Ala (NM_001093772.2, NM_001385285.1, NM_001385286.1); c.838T>G, p.Ser280Ala (NM_001385284.1, NM_001385288.1, NM_001385290.1 and 1 more transcripts); short protein forms S279A, S280A.
Identifiers: ClinVar variation 3658847 (VCV003658847.2).

ClinVar aggregate classification (germline): Uncertain significance (1 of 4 stars; one submission).

Conditions:
Gastrointestinal stromal tumor. Also called: Gastrointestinal stromal tumor, somatic; Gastrointestinal stroma tumor. Identifiers: Orphanet 44890, MedGen C0238198, MeSH D046152, MONDO:0011719, OMIM 606764, HP:0100723.

gnomAD v4.1: 1 of 1,613,624 alleles (0.000062%); highest among the groups gnomAD compares: African/African-American, 0.0013%; no homozygotes.

Submission:

Labcorp Genetics (formerly Invitae), Labcorp
Classification: Uncertain significance for Gastrointestinal stromal tumor. Last evaluated: 2024-07-06. Review status: criteria provided, single submitter. Criteria: Invitae Variant Classification Sherloc (09022015). Collection method: clinical testing. Allele origin: germline.
Comment: This sequence change replaces serine, which is neutral and polar, with alanine, which is neutral and non-polar, at codon 279 of the KIT protein (p.Ser279Ala). This variant is present in population databases (no rsID available, gnomAD 0.01%). This variant has not been reported in the literature in individuals affected with KIT-related conditions. An algorithm developed to predict the effect of missense changes on protein structure and function (PolyPhen-2) suggests that this variant is likely to be tolerated. In summary, the available evidence is currently insufficient to determine the role of this variant in disease. Therefore, it has been classified as a Variant of Uncertain Significance.